The following is an entry in ClinVar:

NM_000180.4(GUCY2D):c.1236C>T (p.Asp412=)

Gene: GUCY2D (guanylate cyclase 2D, retinal; plus strand). Cytogenetic location: 17p13.1.
Variant type: single nucleotide variant.
Coding change: c.1236C>T on transcript NM_000180.4 (MANE Select); coding-DNA position 1236, C replaced by T.
Protein change: p.Asp412=; no amino-acid change (aspartic acid 412 retained).
Molecular consequence: synonymous variant.
Genome position (GRCh38, 1-based): chr17:8,006,572, C>T. VCF-style: chr17-8006572-C-T. GRCh37 (hg19) VCF-style: chr17-7909890-C-T.
Other names: NM_000180.4(GUCY2D):c.1236C>T; p.Asp412=.
Identifiers: ClinVar variation 98539 (VCV000098539.47), dbSNP rs61749678, ClinGen allele CA226041.

ClinVar aggregate classification (germline): Likely benign. Review status: reviewed by expert panel (3 of 4 stars). 8 submissions from 8 submitters: Likely benign (1). 7 of the submissions do not count toward it. Last evaluated 2025-01-30.

Conditions:
GUCY2D-related recessive retinopathy. Also called: Recessive GUCY2D retinopathy. Identifiers: MedGen CN305603, MONDO:0100453.
Leber congenital amaurosis 1 (LCA1). Also called: RETINAL BLINDNESS, CONGENITAL; Congenital absence of the rods and cones; Leber's congenital tapetoretinal degeneration; Leber's congenital tapetoretinal dysplasia; AMAUROSIS CONGENITA OF LEBER I. Identifiers: Orphanet 65, MedGen C2931258, MONDO:0008764, OMIM 204000.
Cone-rod dystrophy 6 (CORD6). Also called: RETINAL CONE DYSTROPHY 2; Cone dystrophy progressive. Identifiers: Orphanet 1872, MedGen C1866293, MONDO:0011143, OMIM 601777.

Allele frequency attached by ClinVar (database versions not stated): gnomAD exomes 0.00070 and 0.00107; ExAC 0.00081; gnomAD 0.00092 and 0.00095; TOPMed 0.00105; 1000 Genomes Project 30x 0.00031; 1000 Genomes Project 0.00040; ESP Exome Variant Server 0.00069.

Submissions (8):

ClinGen Leber Congenital Amaurosis/early Onset Retinal Dystrophy Variant Curation Expert Panel, ClinGen
Classification: Likely benign for GUCY2D-related recessive retinopathy. Last evaluated: 2025-01-30. Review status: reviewed by expert panel. Criteria: ClinGen LCAeoRD ACMG Specifications GUCY2D V1.0.0. Collection method: curation. Allele origin: germline. Inheritance: Autosomal recessive inheritance.
Comment: NM_000180.4(GUCY2D):c.1236C>T (p.Asp412=) is a synonymous variant in exon 4 of 20. This variant is present in gnomAD v4.1.0 at a total allele frequency of 0.001028 with 1659 alleles / 1,613,498 total alleles, which is higher than the ClinGen LCA/eoRD VCEP PM2_Supporting threshold of <0.0004 and fails to meet this criterion. This variant has a Grpmax allele frequency of 0.001233, with 1519 alleles / 1180008 total alleles in the European (non-Finnish) population, which is lower than the ClinGen LCA/eoRD VCEP BS1 threshold of >0.0016 and fails to meet this criterion as well. The computational predictor REVEL has no data as this is a synonymous variant. The splicing impact predictor SpliceAI gives a delta score of 0, which is below the ClinGen LCA/eoRD VCEP recommended threshold of <0.1 and does not predict an impact on splicing (BP4, BP7). In summary, this variant meets the criteria to be classified as Likely Benign for GUCY2D-related recessive retinopathy based on the ACMG/AMP criteria applied, as specified by the ClinGen LCA/eoRD VCEP: BP4, BP7. (VCEP specifications version 1.0.0; date of approval 01/22/2025).

Labcorp Genetics (formerly Invitae), Labcorp
Classification: Benign for Leber congenital amaurosis 1; Cone-rod dystrophy 6. Last evaluated: 2026-02-01. Review status: criteria provided, single submitter. Criteria: Invitae Variant Classification Sherloc (09022015). Collection method: clinical testing. Allele origin: germline. Not counted in ClinVar's aggregate classification.

Blueprint Genetics
Classification: Likely benign. Last evaluated: 2024-11-21. Review status: criteria provided, single submitter. Criteria: ACMG Guidelines, 2015. Collection method: clinical testing. Allele origin: germline. Not counted in ClinVar's aggregate classification.

CeGaT Center for Human Genetics Tuebingen
Classification: Likely benign. Last evaluated: 2024-02-01. Review status: criteria provided, single submitter. Criteria: CeGaT Center For Human Genetics Tuebingen Variant Classification Criteria Version 2. Collection method: clinical testing. Allele origin: germline. Affected: yes. Observed: 3 variant alleles. Not counted in ClinVar's aggregate classification.
Comment: GUCY2D: BP4, BP7

Eurofins Ntd Llc (ga)
Classification: Uncertain significance. Last evaluated: 2017-01-24. Review status: criteria provided, single submitter. Criteria: EGL Classification Definitions 2015. Collection method: clinical testing. Allele origin: germline. Observed: 1 variant allele, 1 heterozygote. Not counted in ClinVar's aggregate classification.

Clinical Genetics DNA and cytogenetics Diagnostics Lab, Erasmus MC, Erasmus Medical Center
Classification: Likely benign. Review status: no assertion criteria provided. Collection method: clinical testing. Allele origin: germline. Affected: yes. Study: VKGL Data-share Consensus. Not counted in ClinVar's aggregate classification.

Clinical Genetics, Academic Medical Center
Classification: Benign. Review status: no assertion criteria provided. Collection method: clinical testing. Allele origin: germline. Affected: yes. Study: VKGL Data-share Consensus. Not counted in ClinVar's aggregate classification.

Retina International
No classification provided. Review status: no classification provided. Collection method: not provided. Allele origin: unknown. Not counted in ClinVar's aggregate classification.